The following is an entry in ClinVar:

NC_000010.10:g.(?_43572512)_(43596180_?)dup

Gene: RET (ret proto-oncogene; plus strand). Cytogenetic location: 10q11.21.
Variant type: Duplication.
Identifiers: ClinVar variation 1054477 (VCV001054477.5).

ClinVar aggregate classification (germline): Uncertain significance (1 of 4 stars; one submission).

Conditions:
Multiple endocrine neoplasia, type 2 (MEN2). Identifiers: Orphanet 653, MedGen C4048306, MONDO:0019003. Disease mechanism: gain of function.

Submission:

Labcorp Genetics (formerly Invitae), Labcorp
Classification: Uncertain significance for Multiple endocrine neoplasia, type 2. Last evaluated: 2021-07-06. Review status: criteria provided, single submitter. Criteria: Invitae Variant Classification Sherloc (09022015). Collection method: clinical testing. Allele origin: germline.
Comment: In summary, the available evidence is currently insufficient to determine the role of this variant in disease. Therefore, it has been classified as a Variant of Uncertain Significance. Experimental studies and prediction algorithms are not available or were not evaluated, and the functional significance of this variant is currently unknown. This variant has not been reported in the literature in individuals with RET-related conditions. This variant results in a copy number gain of the genomic region encompassing exon(s) 1-2 of the RET gene, which includes the initiator codon. The 5' end of this event is unknown as it extends beyond the assayed region for this gene and therefore may encompass additional genes. The 3' boundary is likely confined to intron 2 of the RET gene. As the precise location of this event is unknown, it may be in tandem or it may be located elsewhere in the genome.